The following is an entry in ClinVar:

NM_000548.5(TSC2):c.113T>C (p.Phe38Ser)

Gene: TSC2 (TSC complex subunit 2; plus strand). Cytogenetic location: 16p13.3.
Variant type: single nucleotide variant.
Coding change: c.113T>C on transcript NM_000548.5 (MANE Select); coding-DNA position 113, T replaced by C.
Protein change: p.Phe38Ser; replaces phenylalanine 38 with serine.
Molecular consequence: missense variant. On other transcripts: intron variant (1), 5 prime UTR variant (1).
Genome position (GRCh38, 1-based): chr16:2,048,728, T>C. VCF-style: chr16-2048728-T-C. GRCh37 (hg19) VCF-style: chr16-2098729-T-C.
Other names: c.113T>C, p.Phe38Ser (NM_001077183.3, NM_001363528.2, NM_001370404.1 and 4 more transcripts); c.-10+663T>C (NM_001318829.2); c.-114T>C (NM_001318831.2); c.146T>C, p.Phe49Ser (NM_001318832.2); short protein forms F38S, F49S.
Identifiers: ClinVar variation 1009038 (VCV001009038.8), dbSNP rs745604417, ClinGen allele CA394301618.
Genomic context (GRCh38, chr16:2,048,728, plus strand): 5'-TGTTGGGACTGGGAACACCGAGGCCAAATCCCAGGTCTGCAGAGGGTAAACAGACGGAGT[T>C]TATCATCACCGCGGAAATACTGAGAGTGAGTGAGCTACCTGTGTCTTTGCTAGGCTAGAG-3'
Protein context (NP_000539.2, residues 28-48): PRSAEGKQTE[Phe38Ser]IITAEILREL

ClinVar aggregate classification (germline): Uncertain significance (1 of 4 stars; one submission).

Conditions:
Tuberous sclerosis 2 (TSC2). Identifiers: Orphanet 805, MedGen C1860707, MONDO:0013199, OMIM 613254.

Submission:

Labcorp Genetics (formerly Invitae), Labcorp
Classification: Uncertain significance for Tuberous sclerosis 2. Last evaluated: 2020-02-24. Review status: criteria provided, single submitter. Criteria: Invitae Variant Classification Sherloc (09022015). Collection method: clinical testing. Allele origin: germline.
Comment: This sequence change replaces phenylalanine with serine at codon 38 of the TSC2 protein (p.Phe38Ser). The phenylalanine residue is moderately conserved and there is a large physicochemical difference between phenylalanine and serine. This variant is not present in population databases (ExAC no frequency). This variant has not been reported in the literature in individuals with TSC2-related conditions. Algorithms developed to predict the effect of missense changes on protein structure and function (SIFT, PolyPhen-2, Align-GVGD) all suggest that this variant is likely to be tolerated, but these predictions have not been confirmed by published functional studies and their clinical significance is uncertain. In summary, the available evidence is currently insufficient to determine the role of this variant in disease. Therefore, it has been classified as a Variant of Uncertain Significance.